The following is an entry in ClinVar:

ClinVar aggregate classification (germline): Uncertain significance. Review status: criteria provided, multiple submitters, no conflicts (2 of 4 stars). 7 submissions from 7 submitters: Uncertain significance (6). 1 of the submissions does not count toward it. Last evaluated 2024-01-29.

Conditions:
Inborn genetic diseases. Identifiers: MedGen C0950123, MeSH D030342.
Hereditary insensitivity to pain with anhidrosis (CIPA). Also called: hereditary sensory and autonomic neuropathy type 4; INSENSITIVITY TO PAIN, CONGENITAL, WITH ANHIDROSIS; FAMILIAL DYSAUTONOMIA, TYPE II; HSAN Type IV; NEUROPATHY, CONGENITAL SENSORY, WITH ANHIDROSIS; NTRK1 Congenital Insensitivity to Pain with Anhidrosis. Identifiers: Orphanet 642, MedGen C0020074, MONDO:0009746, OMIM 256800.

Allele frequency attached by ClinVar (database versions not stated): ExAC 0.00002; gnomAD exomes 0.00002 and 0.00006; TOPMed 0.00004; gnomAD 0.00007 and 0.00008.
gnomAD v4.1: 98 of 1,612,744 alleles (0.0061%); highest among the groups gnomAD compares: Non-Finnish European, 0.0077%; no homozygotes.

Submissions (7):

Labcorp Genetics (formerly Invitae), Labcorp
Classification: Uncertain significance for Hereditary insensitivity to pain with anhidrosis. Last evaluated: 2024-01-29. Review status: criteria provided, single submitter. Criteria: Invitae Variant Classification Sherloc (09022015). Collection method: clinical testing. Allele origin: germline.
Comment: This sequence change replaces arginine, which is basic and polar, with histidine, which is basic and polar, at codon 680 of the NTRK1 protein (p.Arg680His). This variant is present in population databases (rs754452975, gnomAD 0.004%). This missense change has been observed in individual(s) with congenital insensitivity to pain with anhidrosis (PMID: 23799134). This variant is also known as p.Arg686His. ClinVar contains an entry for this variant (Variation ID: 194476). Advanced modeling of protein sequence and biophysical properties (such as structural, functional, and spatial information, amino acid conservation, physicochemical variation, residue mobility, and thermodynamic stability) performed at Invitae indicates that this missense variant is not expected to disrupt NTRK1 protein function with a negative predictive value of 80%. In summary, the available evidence is currently insufficient to determine the role of this variant in disease. Therefore, it has been classified as a Variant of Uncertain Significance.

Genome-Nilou Lab
Classification: Uncertain significance for Hereditary insensitivity to pain with anhidrosis. Last evaluated: 2023-04-11. Review status: criteria provided, single submitter. Criteria: ACMG Guidelines, 2015. Collection method: clinical testing. Allele origin: germline. Affected: no.

Ambry Genetics
Classification: Uncertain significance for Inborn genetic diseases. Last evaluated: 2023-01-17. Review status: criteria provided, single submitter. Criteria: Ambry Variant Classification Scheme 2023. Collection method: clinical testing. Allele origin: germline.

Women's Health and Genetics/Laboratory Corporation of America, LabCorp
Classification: Uncertain significance. Last evaluated: 2021-11-24. Review status: criteria provided, single submitter. Criteria: LabCorp Variant Classification Summary - May 2015. Collection method: clinical testing. Allele origin: germline.
Comment: Variant summary: NTRK1 c.2039G>A (p.Arg680His) results in a non-conservative amino acid change located in the Protein kinase domain (IPR000719) of the encoded protein sequence. Three of five in-silico tools predict a benign effect of the variant on protein function. The variant allele was found at a frequency of 2.4e-05 in 249992 control chromosomes (gnomAD). The available data on variant occurrences in the general population are insufficient to allow any conclusion about variant significance. c.2039G>A has been reported in the literature in a compound heterozygous individual affected with Hereditary Insensitivity To Pain With Anhidrosis (Gao_2013). This report does not provide unequivocal conclusions about association of the variant with disease. To our knowledge, no experimental evidence demonstrating an impact on protein function has been reported. Five ClinVar submitters (evaluation after 2014) cite the variant as uncertain significance. Based on the evidence outlined above, the variant was classified as uncertain significance.

GeneDx
Classification: Uncertain significance. Last evaluated: 2020-06-01. Review status: criteria provided, single submitter. Criteria: GeneDx Variant Classification Process June 2021. Collection method: clinical testing. Allele origin: germline. Affected: yes.
Comment: In silico analysis supports that this missense variant does not alter protein structure/function; This variant is associated with the following publications: (PMID: 23799134)

Eurofins Ntd Llc (ga)
Classification: Uncertain significance. Last evaluated: 2015-04-03. Review status: criteria provided, single submitter. Criteria: EGL Classification Definitions 2015. Collection method: clinical testing. Allele origin: germline. Observed: 1 variant allele, 1 heterozygote.

Natera, Inc.
Classification: Uncertain significance for Hereditary insensitivity to pain with anhidrosis. Last evaluated: 2020-09-16. Review status: no assertion criteria provided. Collection method: clinical testing. Allele origin: germline. Not counted in ClinVar's aggregate classification.

Literature cited by the submitters: PubMed 23799134 (cited by 3 submitters).

NM_002529.4(NTRK1):c.2057G>A (p.Arg686His)

Gene: NTRK1 (neurotrophic receptor tyrosine kinase 1; plus strand). Cytogenetic location: 1q23.1.
Variant type: single nucleotide variant.
Coding change: c.2057G>A on transcript NM_002529.4 (MANE Select); coding-DNA position 2057, G replaced by A.
Protein change: p.Arg686His; replaces arginine 686 with histidine.
Molecular consequence: missense variant.
Genome position (GRCh38, 1-based): chr1:156,880,009, G>A. VCF-style: chr1-156880009-G-A. GRCh37 (hg19) VCF-style: chr1-156849801-G-A.
Other names: c.1949G>A, p.Arg650His (NM_001007792.1); c.2039G>A, p.Arg680His (NM_001012331.2); short protein forms R650H, R680H, R686H.
Identifiers: ClinVar variation 194476 (VCV000194476.19), dbSNP rs754452975, ClinGen allele CA240459.